The following is an entry in ClinVar:

NM_000179.3(MSH6):c.2690A>T (p.Asn897Ile)

Gene: MSH6 (mutS homolog 6; plus strand). Cytogenetic location: 2p16.3.
Variant type: single nucleotide variant.
Coding change: c.2690A>T on transcript NM_000179.3 (MANE Select); coding-DNA position 2690, A replaced by T.
Protein change: p.Asn897Ile; replaces asparagine 897 with isoleucine.
Molecular consequence: missense variant. On other transcripts: non-coding transcript variant (5), intron variant (2).
Genome position (GRCh38, 1-based): chr2:47,800,673, A>T. VCF-style: chr2-47800673-A-T. GRCh37 (hg19) VCF-style: chr2-48027812-A-T.
Other names: c.2300A>T, p.Asn767Ile (NM_001281492.2); c.1784A>T, p.Asn595Ile (NM_001281493.2, NM_001281494.2, NM_001406811.1 and 6 more transcripts); c.2786A>T, p.Asn929Ile (NM_001406795.1, NM_001406802.1); c.2690A>T, p.Asn897Ile (NM_001406796.1, NM_001406798.1, NM_001406800.1 and 2 more transcripts); c.2393A>T, p.Asn798Ile (NM_001406797.1, NM_001406801.1, NM_001406805.1 and 10 more transcripts); c.2165A>T, p.Asn722Ile (NM_001406799.1, NM_001406806.1, NM_001406807.1); c.2612A>T, p.Asn871Ile (NM_001406804.1); c.2696A>T, p.Asn899Ile (NM_001406813.1); and 4 more; short protein forms N722I, N929I, N212I, N767I, N841I, N871I, N595I, N798I.
Identifiers: ClinVar variation 3875067 (VCV003875067.1).

ClinVar aggregate classification (germline): Uncertain significance (1 of 4 stars; one submission).

Conditions:
Hereditary cancer-predisposing syndrome. Also called: Tumor predisposition; Neoplastic Syndromes, Hereditary; Hereditary Cancer Syndrome; Hereditary neoplastic syndrome. Identifiers: Orphanet 140162, MedGen C0027672, MeSH D009386, MONDO:0015356.

Submission:

Ambry Genetics
Classification: Uncertain significance for Hereditary cancer-predisposing syndrome. Last evaluated: 2025-01-06. Review status: criteria provided, single submitter. Criteria: Ambry Variant Classification Scheme 2023. Collection method: clinical testing. Allele origin: germline.
Comment: The p.N897I variant (also known as c.2690A>T), located in coding exon 4 of the MSH6 gene, results from an A to T substitution at nucleotide position 2690. The asparagine at codon 897 is replaced by isoleucine, an amino acid with dissimilar properties. This amino acid position is conserved. In addition, the in silico prediction for this alteration is inconclusive. Based on the available evidence, the clinical significance of this variant remains unclear.